The following is an entry in ClinVar:

ClinVar aggregate classification (germline): Uncertain significance. Review status: criteria provided, multiple submitters, no conflicts (2 of 4 stars). 4 submissions from 4 submitters: Uncertain significance (4). Last evaluated 2026-08-31.

Conditions:
ABHD12-related disorder. Also called: ABHD12-related condition.

Allele frequency attached by ClinVar (database versions not stated): ESP Exome Variant Server 0.00023; gnomAD exomes 0.00002 and 0.00004; ExAC 0.00003; gnomAD 0.00015; TOPMed 0.00017.
gnomAD v4.1: 60 of 1,614,038 alleles (0.0037%); highest among the groups gnomAD compares: African/African-American, 0.053%; no homozygotes.

Submissions (4):

PreventionGenetics, part of Exact Sciences
Classification: Uncertain significance for ABHD12-related condition. Last evaluated: 2026-08-31. Review status: criteria provided, single submitter. Criteria: ACMG Guidelines, 2015. Collection method: clinical testing. Allele origin: germline.
Comment: The ABHD12 c.641C>T variant is predicted to result in the amino acid substitution p.Thr214Met. This variant was reported de novo in an individual with Schizophrenia, however additional information was not provided (Table S1, Fromer et al. 2014. PubMed ID: 24463507). This variant is reported in 0.040% of alleles in individuals of African descent in gnomAD. At this time, the clinical significance of this variant is uncertain due to the absence of conclusive functional and genetic evidence.

GeneDx
Classification: Uncertain significance. Last evaluated: 2025-07-27. Review status: criteria provided, single submitter. Criteria: GeneDx Variant Classification Process June 2021. Collection method: clinical testing. Allele origin: germline. Affected: yes.
Comment: In silico analysis suggests that this missense variant does not alter protein structure/function; Has not been previously published as pathogenic or benign in association with ABHD12-related neurodegenerative disorder to our knowledge; This variant is associated with the following publications: (PMID: 24463507)

Labcorp Genetics (formerly Invitae), Labcorp
Classification: Uncertain significance. Last evaluated: 2024-10-23. Review status: criteria provided, single submitter. Criteria: Invitae Variant Classification Sherloc (09022015). Collection method: clinical testing. Allele origin: germline.
Comment: This sequence change replaces threonine, which is neutral and polar, with methionine, which is neutral and non-polar, at codon 214 of the ABHD12 protein (p.Thr214Met). This variant is present in population databases (rs148799594, gnomAD 0.03%). This variant has not been reported in the literature in individuals affected with ABHD12-related conditions. ClinVar contains an entry for this variant (Variation ID: 1056297). Invitae Evidence Modeling of protein sequence and biophysical properties (such as structural, functional, and spatial information, amino acid conservation, physicochemical variation, residue mobility, and thermodynamic stability) indicates that this missense variant is not expected to disrupt ABHD12 protein function with a negative predictive value of 80%. In summary, the available evidence is currently insufficient to determine the role of this variant in disease. Therefore, it has been classified as a Variant of Uncertain Significance.

Blueprint Genetics
Classification: Uncertain significance. Last evaluated: 2024-03-12. Review status: criteria provided, single submitter. Criteria: ACMG Guidelines, 2015. Collection method: clinical testing. Allele origin: germline.

NM_001042472.3(ABHD12):c.641C>T (p.Thr214Met)

Genes: ABHD12 (abhydrolase domain containing 12, lysophospholipase; minus strand), LOC126863008 (CDK7 strongly-dependent group 2 enhancer GRCh37_chr20:25289826-25291025; plus strand). Cytogenetic location: 20p11.21.
Variant type: single nucleotide variant.
Coding change: c.641C>T on transcript NM_001042472.3 (MANE Select); coding-DNA position 641, C replaced by T.
Protein change: p.Thr214Met; replaces threonine 214 with methionine.
Molecular consequence: missense variant.
Genome position (GRCh38, 1-based): chr20:25,309,554, G>A on the plus strand (C>T on the coding strand, the complement: ABHD12 is on the minus strand). VCF-style: chr20-25309554-G-A. GRCh37 (hg19) VCF-style: chr20-25290190-G-A.
Other names: c.641C>T, p.Thr214Met (NM_015600.5); short protein forms T214M.
Identifiers: ClinVar variation 1056297 (VCV001056297.10), dbSNP rs148799594, ClinGen allele CA9796048.